The following is an entry in ClinVar:

NM_172364.5(CACNA2D4):c.619G>C (p.Val207Leu)

Gene: CACNA2D4 (calcium voltage-gated channel auxiliary subunit alpha2delta 4; minus strand). Cytogenetic location: 12p13.33.
Variant type: single nucleotide variant.
Coding change: c.619G>C on transcript NM_172364.5 (MANE Select); coding-DNA position 619, G replaced by C.
Protein change: p.Val207Leu; replaces valine 207 with leucine.
Molecular consequence: missense variant.
Genome position (GRCh38, 1-based): chr12:1,907,905, C>G on the plus strand (G>C on the coding strand, the complement: CACNA2D4 is on the minus strand). VCF-style: chr12-1907905-C-G. GRCh37 (hg19) VCF-style: chr12-2017071-C-G.
Other names: short protein forms V207L.
Identifiers: ClinVar variation 2118229 (VCV002118229.4), dbSNP rs373314376, ClinGen allele CA383364187.

ClinVar aggregate classification (germline): Uncertain significance (1 of 4 stars; one submission).

gnomAD v4.1: 6 of 1,614,046 alleles (0.00037%); highest among the groups gnomAD compares: Non-Finnish European, 0.00042%; no homozygotes.

Submission:

Labcorp Genetics (formerly Invitae), Labcorp
Classification: Uncertain significance. Last evaluated: 2022-06-07. Review status: criteria provided, single submitter. Criteria: Invitae Variant Classification Sherloc (09022015). Collection method: clinical testing. Allele origin: germline.
Comment: This sequence change replaces valine, which is neutral and non-polar, with leucine, which is neutral and non-polar, at codon 207 of the CACNA2D4 protein (p.Val207Leu). In summary, the available evidence is currently insufficient to determine the role of this variant in disease. Therefore, it has been classified as a Variant of Uncertain Significance. Algorithms developed to predict the effect of missense changes on protein structure and function are either unavailable or do not agree on the potential impact of this missense change (SIFT: "Deleterious"; PolyPhen-2: "Possibly Damaging"; Align-GVGD: "Class C0"). This variant has not been reported in the literature in individuals affected with CACNA2D4-related conditions. This variant is present in population databases (no rsID available, gnomAD 0.0009%).